The following is an entry in ClinVar:

NM_001001957.2(OR2W3):c.173C>T (p.Pro58Leu)

Gene: OR2W3 (olfactory receptor family 2 subfamily W member 3; plus strand). Cytogenetic location: 1q44.
Variant type: single nucleotide variant.
Coding change: c.173C>T on transcript NM_001001957.2 (MANE Select); coding-DNA position 173, C replaced by T.
Protein change: p.Pro58Leu; replaces proline 58 with leucine.
Molecular consequence: missense variant.
Genome position (GRCh38, 1-based): chr1:247,895,759, C>T. VCF-style: chr1-247895759-C-T. GRCh37 (hg19) VCF-style: chr1-248059061-C-T.
Other names: short protein forms P58L.
Identifiers: ClinVar variation 2058497 (VCV002058497.5), dbSNP rs1659594102, ClinGen allele CA345591432.

ClinVar aggregate classification (germline): Uncertain significance. Review status: criteria provided, multiple submitters, no conflicts (2 of 4 stars). 2 submissions from 2 submitters: Uncertain significance (2). Last evaluated 2025-08-07.

Allele frequency attached by ClinVar (database versions not stated): gnomAD exomes below 0.00001; TOPMed 0.00002.

Submissions (2):

Ambry Genetics
Classification: Uncertain significance. Last evaluated: 2025-08-07. Review status: criteria provided, single submitter. Criteria: Ambry Variant Classification Scheme 2023. Collection method: clinical testing. Allele origin: germline.

Labcorp Genetics (formerly Invitae), Labcorp
Classification: Uncertain significance. Last evaluated: 2021-12-24. Review status: criteria provided, single submitter. Criteria: Invitae Variant Classification Sherloc (09022015). Collection method: clinical testing. Allele origin: germline.
Comment: This sequence change replaces proline, which is neutral and non-polar, with leucine, which is neutral and non-polar, at codon 58 of the OR2W3 protein (p.Pro58Leu). This variant is not present in population databases (gnomAD no frequency). This variant has not been reported in the literature in individuals affected with OR2W3-related conditions. Algorithms developed to predict the effect of missense changes on protein structure and function (SIFT, PolyPhen-2, Align-GVGD) all suggest that this variant is likely to be disruptive. In summary, the available evidence is currently insufficient to determine the role of this variant in disease. Therefore, it has been classified as a Variant of Uncertain Significance.